The following is an entry in ClinVar:

ClinVar aggregate classification (germline): Benign/Likely benign. Review status: criteria provided, multiple submitters, no conflicts (2 of 4 stars). 8 submissions from 7 submitters: Benign (2); Likely benign (6). Last evaluated 2026-01-15.

Conditions:
Cardiovascular phenotype. Identifiers: MedGen CN230736.
RASopathy. Also called: rasopathies; Noonan spectrum disorder. Identifiers: Orphanet 536391, MedGen C5555857, MONDO:0021060.
Noonan syndrome 4 (NS4). Also called: NOONAN SYNDROME WITH PIGMENTED VILLONODULAR SYNOVITIS; SOS1-Related Noonan Syndrome. Identifiers: Orphanet 648, MedGen C1853120, MONDO:0012547, OMIM 610733.
Fibromatosis, gingival, 1 (GINGF1). Identifiers: Orphanet 2024, MedGen C4551558, MONDO:0007609, OMIM 135300.

Allele frequency attached by ClinVar (database versions not stated): gnomAD exomes 0.00010 and 0.00022; ExAC 0.00011; gnomAD 0.00011 and 0.00014; TOPMed 0.00019; ESP Exome Variant Server 0.00046.
gnomAD v4.1: 343 of 1,605,860 alleles (0.021%); highest among the groups gnomAD compares: Non-Finnish European, 0.026%; no homozygotes.

Submissions (8):

Labcorp Genetics (formerly Invitae), Labcorp
Classification: Likely benign for RASopathy. Last evaluated: 2026-01-15. Review status: criteria provided, single submitter. Criteria: Invitae Variant Classification Sherloc (09022015). Collection method: clinical testing. Allele origin: germline.

Blueprint Genetics
Classification: Likely benign. Last evaluated: 2023-05-23. Review status: criteria provided, single submitter. Criteria: ACMG Guidelines, 2015. Collection method: clinical testing. Allele origin: germline.

Ambry Genetics
Classification: Likely benign for Cardiovascular phenotype. Last evaluated: 2019-06-25. Review status: criteria provided, single submitter. Criteria: Ambry Variant Classification Scheme 2023. Collection method: clinical testing. Allele origin: germline.

Women's Health and Genetics/Laboratory Corporation of America, LabCorp
Classification: Benign. Last evaluated: 2017-05-08. Review status: criteria provided, single submitter. Criteria: LabCorp Variant Classification Summary - May 2015. Collection method: clinical testing. Allele origin: germline.
Comment: Variant summary: The SOS1 c.1962G>A (p.Glu654Glu) variant involves the alteration of a non-conserved nucleotide causing a synonymous change and 4/5 splice prediction tools predict no significant impact on normal splicing. However, these predictions have yet to be confirmed by functional studies. This variant was found in 13/119162 control chromosomes at a frequency of 0.0001091, which is approximately 4 times the estimated maximal expected allele frequency of a pathogenic SOS1 variant (0.00003), suggesting this variant is likely a benign polymorphism. In addition, a clinical diagnostic laboratory classified this variant as benign. The variant of interest has not, to our knowledge, been reported in affected individuals via publications and/or reputable databases/clinical diagnostic laboratories; nor evaluated for functional impact by in vivo/vitro studies. Taken together, this variant is classified as benign.

Laboratory for Molecular Medicine, Mass General Brigham Personalized Medicine
Classification: Likely benign. Last evaluated: 2016-08-30. Review status: criteria provided, single submitter. Criteria: LMM Criteria. Collection method: clinical testing. Allele origin: germline. Observed: 1 variant allele.
Comment: p.Glu654Glu in exon 12 of SOS1: This variant is not expected to have clinical si gnificance because it does not alter an amino acid residue and is not located wi thin the splice consensus sequence. It has been identified in 11/65590 European chromosomes by the Exome Aggregation Consortium (ExAC; dbSNP rs144382701).

GeneDx
Classification: Benign. Last evaluated: 2014-05-05. Review status: criteria provided, single submitter. Criteria: GeneDx Variant Classification (06012015). Collection method: clinical testing. Allele origin: germline. Affected: yes.
Comment: This variant is considered likely benign or benign based on one or more of the following criteria: it is a conservative change, it occurs at a poorly conserved position in the protein, it is predicted to be benign by multiple in silico algorithms, and/or has population frequency not consistent with disease.

Genome-Nilou Lab
Classification: Likely benign for Noonan syndrome 4. Review status: criteria provided, single submitter. Criteria: ACMG Guidelines, 2015. Collection method: clinical testing. Allele origin: germline.

Genome-Nilou Lab
Classification: Likely benign for Fibromatosis, gingival, 1. Review status: criteria provided, single submitter. Criteria: ACMG Guidelines, 2015. Collection method: clinical testing. Allele origin: germline.

NM_005633.4(SOS1):c.1962G>A (p.Glu654=)

Gene: SOS1 (SOS Ras/Rac guanine nucleotide exchange factor 1; minus strand). Cytogenetic location: 2p22.1.
Variant type: single nucleotide variant.
Coding change: c.1962G>A on transcript NM_005633.4 (MANE Select); coding-DNA position 1962, G replaced by A.
Protein change: p.Glu654=; no amino-acid change (glutamic acid 654 retained).
Molecular consequence: synonymous variant.
Genome position (GRCh38, 1-based): chr2:39,013,968, C>T on the plus strand (G>A on the coding strand, the complement: SOS1 is on the minus strand). VCF-style: chr2-39013968-C-T. GRCh37 (hg19) VCF-style: chr2-39241109-C-T.
Other names: p.E654E:GAG>GAA; c.1941G>A, p.Glu647= (NM_001382394.1); c.1962G>A, p.Glu654= (NM_001382395.1).
Identifiers: ClinVar variation 139226 (VCV000139226.21), dbSNP rs144382701, ClinGen allele CA293644.
Genomic context (GRCh38, chr2:39,013,968, plus strand): 5'-CAGTTCTGCACTCAAGGGTTGATCTCCATTCTCTATAGCTATGCGATCAGCTTCTGTTGG[C>T]TCAGGCTCTGGAATTTCAAACCTAACATAAAATAGAACAAATTAATGAAAAGACTAATTA-3'
Protein context (NP_005624.2, residues 644-664): IIERFEIPEP[Glu654=]PTEADRIAIE